The following is an entry in ClinVar:

NM_000264.5(PTCH1):c.3442A>G (p.Ile1148Val)

Gene: PTCH1 (patched 1; minus strand). Cytogenetic location: 9q22.32.
Variant type: single nucleotide variant.
Coding change: c.3442A>G on transcript NM_000264.5 (MANE Select); coding-DNA position 3442, A replaced by G.
Protein change: p.Ile1148Val; replaces isoleucine 1148 with valine.
Molecular consequence: missense variant. On other transcripts: non-coding transcript variant (1).
Genome position (GRCh38, 1-based): chr9:95,453,485, T>C on the plus strand (A>G on the coding strand, the complement: PTCH1 is on the minus strand). VCF-style: chr9-95453485-T-C. GRCh37 (hg19) VCF-style: chr9-98215767-T-C.
Other names: c.3244A>G, p.Ile1082Val (NM_001083602.3); c.3439A>G, p.Ile1147Val (NM_001083603.3); c.2989A>G, p.Ile997Val (NM_001083604.3, NM_001083605.3, NM_001083606.3 and 1 more transcripts); c.3286A>G, p.Ile1096Val (NM_001354918.2); short protein forms I1082V, I1148V, I997V, I1147V, I1096V.
Identifiers: ClinVar variation 220370 (VCV000220370.16), dbSNP rs369265532, ClinGen allele CA350753.

ClinVar aggregate classification (germline): Conflicting classifications of pathogenicity. Review status: criteria provided, conflicting classifications (1 of 4 stars). 3 submissions from 3 submitters: Uncertain significance (1); Benign (1); Likely benign (1). Last evaluated 2026-01-16.

Conditions:
Hereditary cancer-predisposing syndrome. Also called: Tumor predisposition; Hereditary neoplastic syndrome; Neoplastic Syndromes, Hereditary; Hereditary Cancer Syndrome. Identifiers: Orphanet 140162, MedGen C0027672, MeSH D009386, MONDO:0015356.
Gorlin syndrome. Also called: Nevoid Basal Cell Carcinoma Syndrome; Basal cell nevus syndrome. Identifiers: Orphanet 377, MedGen C0004779, MONDO:0007187.

Allele frequency attached by ClinVar (database versions not stated): ExAC 0.00001; gnomAD exomes 0.00001; TOPMed 0.00001; ESP Exome Variant Server 0.00008.
gnomAD v4.1: 12 of 1,614,096 alleles (0.00074%); highest among the groups gnomAD compares: Non-Finnish European, 0.00093%; no homozygotes.

Submissions (3):

Labcorp Genetics (formerly Invitae), Labcorp
Classification: Benign for Gorlin syndrome. Last evaluated: 2026-01-16. Review status: criteria provided, single submitter. Criteria: Invitae Variant Classification Sherloc (09022015). Collection method: clinical testing. Allele origin: germline.

Ambry Genetics
Classification: Uncertain significance for Hereditary cancer-predisposing syndrome. Last evaluated: 2025-11-08. Review status: criteria provided, single submitter. Criteria: Ambry Variant Classification Scheme 2023. Collection method: clinical testing. Allele origin: germline.
Comment: The p.I1148V variant (also known as c.3442A>G), located in coding exon 20 of the PTCH1 gene, results from an A to G substitution at nucleotide position 3442. The isoleucine at codon 1148 is replaced by valine, an amino acid with highly similar properties. This amino acid position is highly conserved in available vertebrate species. In addition, the in silico prediction for this alteration is inconclusive. Since supporting evidence is limited at this time, the clinical significance of this alteration remains unclear.

GeneDx
Classification: Likely benign. Last evaluated: 2020-05-01. Review status: criteria provided, single submitter. Criteria: GeneDx Variant Classification Process June 2021. Collection method: clinical testing. Allele origin: germline. Affected: yes.
Comment: Missense variant in a gene in which most reported pathogenic variants are truncating/loss-of-function; In silico analysis supports that this missense variant does not alter protein structure/function; Has not been previously published as pathogenic or benign to our knowledge